The following is an entry in ClinVar:

ClinVar aggregate classification (germline): Benign. Review status: criteria provided, multiple submitters, no conflicts (2 of 4 stars). 9 submissions from 9 submitters: Benign (8). 1 of the submissions does not count toward it. Last evaluated 2026-02-04.

Conditions:
Congenital microvillous atrophy (DIAR2). Also called: DAVIDSON DISEASE; MICROVILLUS ATROPHY, CONGENITAL; Microvillus inclusion disease; Diarrhea 2 with microvillus atrophy, with or without cholestasis; CONGENITAL FAMILIAL PROTRACTED DIARRHEA WITH ENTEROCYTE BRUSH-BORDER ABNORMALITIES. Identifiers: Orphanet 2290, MedGen C0341306, MONDO:0009635, OMIM 251850.

Allele frequency attached by ClinVar (database versions not stated): 1000 Genomes Project 30x 0.97205; 1000 Genomes Project 0.97344; TOPMed 0.97468; gnomAD 0.97586 and 0.97753; ESP Exome Variant Server 0.97721; ExAC 0.99309; gnomAD exomes 0.99443 and 0.99774.
gnomAD v4.1: 1,607,240 of 1,614,124 alleles (100%); highest among the groups gnomAD compares: East Asian, 100%; 800,410 homozygotes.

Submissions (9):

Labcorp Genetics (formerly Invitae), Labcorp
Classification: Benign. Last evaluated: 2026-02-04. Review status: criteria provided, single submitter. Criteria: Invitae Variant Classification Sherloc (09022015). Collection method: clinical testing. Allele origin: germline.

Mayo Clinic Laboratories, Mayo Clinic
Classification: Benign. Last evaluated: 2022-09-06. Review status: criteria provided, single submitter. Criteria: ACMG Guidelines, 2015. Collection method: clinical testing. Allele origin: germline. Observed: 94 variant alleles.

Genome-Nilou Lab
Classification: Benign for Congenital microvillous atrophy. Last evaluated: 2021-09-05. Review status: criteria provided, single submitter. Criteria: ACMG Guidelines, 2015. Collection method: clinical testing. Allele origin: germline. Affected: no.

GeneDx
Classification: Benign. Last evaluated: 2019-03-29. Review status: criteria provided, single submitter. Criteria: GeneDx Variant Classification Process June 2021. Collection method: clinical testing. Allele origin: germline. Affected: yes.

Illumina Laboratory Services, Illumina
Classification: Benign for Congenital microvillous atrophy. Last evaluated: 2018-01-13. Review status: criteria provided, single submitter. Criteria: ICSL Variant Classification Criteria 13 December 2019. Collection method: clinical testing. Allele origin: germline.
Comment: This variant was observed in the ICSL laboratory as part of a predisposition screen in an ostensibly healthy population. It had not been previously curated by ICSL or reported in the Human Gene Mutation Database (HGMD: prior to June 1st, 2018), and was therefore a candidate for classification through an automated scoring system. Utilizing variant allele frequency, disease prevalence and penetrance estimates, and inheritance mode, an automated score was calculated to assess if this variant is too frequent to cause the disease. Based on the score and internal cut-off values, a variant classified as benign is not then subjected to further curation. The score for this variant resulted in a classification of benign for this disease.

Laboratory for Molecular Medicine, Mass General Brigham Personalized Medicine
Classification: Benign. Last evaluated: 2016-03-28. Review status: criteria provided, single submitter. Criteria: LMM Criteria. Collection method: clinical testing. Allele origin: germline.
Comment: Variant identified in a genome or exome case(s) and assessed due to predicted null impact of the variant or pathogenic assertions in the literature or databases. Disclaimer: This variant has not undergone full assessment. The following are preliminary notes: Frequency

Genome Diagnostics Laboratory, University Medical Center Utrecht
Classification: Benign for Congenital microvillous atrophy. Last evaluated: 2014-10-09. Review status: criteria provided, single submitter. Criteria: ACGS Guidelines, 2013. Collection method: clinical testing. Allele origin: germline. Affected: yes. Study: VKGL Data-share Consensus.

Breakthrough Genomics
Classification: Benign. Review status: criteria provided, single submitter. Criteria: ACMG Guidelines, 2015. Collection method: not provided. Allele origin: germline. Inheritance: Autosomal recessive inheritance. Affected: yes.

Diagnostic Laboratory, Department of Genetics, University Medical Center Groningen
Classification: Benign for Congenital microvillous atrophy. Review status: no assertion criteria provided. Collection method: clinical testing. Allele origin: germline. Affected: yes. Study: VKGL Data-share Consensus. Not counted in ClinVar's aggregate classification.

NM_001080467.3(MYO5B):c.376A>G (p.Thr126Ala)

Gene: MYO5B (myosin VB; minus strand). Cytogenetic location: 18q21.1.
Variant type: single nucleotide variant.
Coding change: c.376A>G on transcript NM_001080467.3 (MANE Select); coding-DNA position 376, A replaced by G.
Protein change: p.Thr126Ala; replaces threonine 126 with alanine.
Molecular consequence: missense variant.
Genome position (GRCh38, 1-based): chr18:50,036,929, T>C on the plus strand (A>G on the coding strand, the complement: MYO5B is on the minus strand). VCF-style: chr18-50036929-T-C. GRCh37 (hg19) VCF-style: chr18-47563299-T-C.
Other names: short protein forms T126A.
Identifiers: ClinVar variation 327087 (VCV000327087.22), dbSNP rs1815930, ClinGen allele CA8961899.